The following is an entry in ClinVar:

NM_018947.6(CYCS):c.97C>G (p.Leu33Val)

Gene: CYCS (cytochrome c, somatic; minus strand). Cytogenetic location: 7p15.3.
Variant type: single nucleotide variant.
Coding change: c.97C>G on transcript NM_018947.6 (MANE Select); coding-DNA position 97, C replaced by G.
Protein change: p.Leu33Val; replaces leucine 33 with valine.
Molecular consequence: missense variant.
Genome position (GRCh38, 1-based): chr7:25,124,023, G>C on the plus strand (C>G on the coding strand, the complement: CYCS is on the minus strand). VCF-style: chr7-25124023-G-C. GRCh37 (hg19) VCF-style: chr7-25163642-G-C.
Other names: short protein forms L33V.
Identifiers: ClinVar variation 1676752 (VCV001676752.4), dbSNP rs2128577598, ClinGen allele CA367060437.

ClinVar aggregate classification (germline): Uncertain significance. Review status: criteria provided, multiple submitters, no conflicts (2 of 4 stars). 2 submissions from 2 submitters: Uncertain significance (2). Last evaluated 2025-05-18.

Conditions:
Thrombocytopenia 4 (THC4). Also called: THROMBOCYTOPENIA, AUTOSOMAL DOMINANT, 4. Identifiers: Orphanet 268322, MedGen C2677608, MONDO:0012775, OMIM 612004.

Submissions (2):

Labcorp Genetics (formerly Invitae), Labcorp
Classification: Uncertain significance. Last evaluated: 2025-05-18. Review status: criteria provided, single submitter. Criteria: Invitae Variant Classification Sherloc (09022015). Collection method: clinical testing. Allele origin: germline.
Comment: This sequence change replaces leucine, which is neutral and non-polar, with valine, which is neutral and non-polar, at codon 33 of the CYCS protein (p.Leu33Val). This variant is not present in population databases (gnomAD no frequency). This missense change has been observed in individual(s) with macrothrombocytopenia (PMID: 34355501). ClinVar contains an entry for this variant (Variation ID: 1676752). An algorithm developed to predict the effect of missense changes on protein structure and function (PolyPhen-2) suggests that this variant is likely to be disruptive. In summary, the available evidence is currently insufficient to determine the role of this variant in disease. Therefore, it has been classified as a Variant of Uncertain Significance.

ISTH-SSC Genomics in Thrombosis and Hemostasis, KU Leuven, Center for Molecular and Vascular Biology
Classification: Uncertain significance for Thrombocytopenia 4. Review status: criteria provided, single submitter. Criteria: ACMG Guidelines, 2015. Collection method: clinical testing. Allele origin: unknown. Affected: yes.
Comment: Submitted to GoldVariant by Kathleen Freson, Center for Molecular and Vascular Biology, Leuven, Belgium

Literature cited by the submitters: PubMed 34355501 (cited by Labcorp Genetics (formerly Invitae), Labcorp and ISTH-SSC Genomics in Thrombosis and Hemostasis, KU Leuven, Center for Molecular and Vascular Biology).